The following is an entry in ClinVar:

NM_007294.4(BRCA1):c.1808C>T (p.Ser603Leu)

Gene: BRCA1 (BRCA1 DNA repair associated; minus strand). Cytogenetic location: 17q21.31.
Variant type: single nucleotide variant.
Coding change: c.1808C>T on transcript NM_007294.4 (MANE Select); coding-DNA position 1808, C replaced by T.
Protein change: p.Ser603Leu; replaces serine 603 with leucine.
Molecular consequence: missense variant. On other transcripts: intron variant (137).
Genome position (GRCh38, 1-based): chr17:43,093,723, G>A on the plus strand (C>T on the coding strand, the complement: BRCA1 is on the minus strand). VCF-style: chr17-43093723-G-A. GRCh37 (hg19) VCF-style: chr17-41245740-G-A.
Other names: c.787+1021C>T (NM_001407974.1, NM_001407969.1, NM_001407968.1 and 19 more transcripts); c.577+1021C>T (NM_001408492.1, NM_001408513.1, NM_001408489.1 and 9 more transcripts); c.643+1021C>T (NM_001408468.1, NM_001408465.1, NM_001408463.1 and 3 more transcripts); c.523+1021C>T (NM_001408501.1, NM_001408500.1, NM_001408497.1 and 3 more transcripts); c.646+1021C>T (NM_001408455.1, NM_001408466.1, NM_001408452.1 and 11 more transcripts); c.520+1021C>T (NM_001408503.1, NM_001408505.1, NM_001408504.1); c.404-2691C>T (NM_001408511.1); c.460+2123C>T (NM_001408507.1, NM_001408506.1); and 40 more; short protein forms S307L, S435L, S475L, S476L, S491L, S492L, S514L, S515L.
Identifiers: ClinVar variation 3779405 (VCV003779405.2).

ClinVar aggregate classification (germline): Uncertain significance. Review status: criteria provided, multiple submitters, no conflicts (2 of 4 stars). 2 submissions from 2 submitters: Uncertain significance (2). Last evaluated 2025-09-10.

Conditions:
Fanconi anemia, complementation group S (FANCS). Identifiers: MedGen C4554406, MONDO:0054748, OMIM 617883.
Breast-ovarian cancer, familial, susceptibility to, 1 (BROVCA1). Also called: BRCA1 Hereditary Breast and Ovarian Cancer; OVARIAN CANCER, SUSCEPTIBILITY TO. Identifiers: Orphanet 145, MedGen C2676676, MONDO:0011450, OMIM 604370. Disease mechanism: loss of function.
Familial cancer of breast. Also called: BREAST CANCER, FAMILIAL; Hereditary breast cancer; hereditary breast carcinoma. Identifiers: Orphanet 227535, MedGen C0346153, MONDO:0016419, OMIM 114480. Disease mechanism: loss of function.
Hereditary cancer-predisposing syndrome. Also called: Neoplastic Syndromes, Hereditary; Tumor predisposition; Hereditary Cancer Syndrome; Hereditary neoplastic syndrome. Identifiers: Orphanet 140162, MedGen C0027672, MeSH D009386, MONDO:0015356.

Submissions (2):

Ambry Genetics
Classification: Uncertain significance for Hereditary cancer-predisposing syndrome. Last evaluated: 2025-09-10. Review status: criteria provided, single submitter. Criteria: Ambry Variant Classification Scheme 2023. Collection method: clinical testing. Allele origin: germline.
Comment: The p.S603L variant (also known as c.1808C>T), located in coding exon 9 of the BRCA1 gene, results from a C to T substitution at nucleotide position 1808. The serine at codon 603 is replaced by leucine, an amino acid with dissimilar properties. This amino acid position is not well conserved in available vertebrate species. In addition, the in silico prediction for this alteration is inconclusive. Based on the available evidence, the clinical significance of this variant remains unclear.

Department of Pathology and Laboratory Medicine, Sinai Health System
Classification: Uncertain significance for Familial cancer of breast; Breast-ovarian cancer, familial, susceptibility to, 1; Fanconi anemia, complementation group S. Last evaluated: 2023-04-03. Review status: criteria provided, single submitter. Criteria: ACMG Guidelines, 2015. Collection method: clinical testing. Allele origin: germline. Affected: yes.